The following is an entry in ClinVar:

ClinVar aggregate classification (germline): Likely benign. Review status: criteria provided, multiple submitters, no conflicts (2 of 4 stars). 6 submissions from 6 submitters: Likely benign (2). 4 of the submissions do not count toward it. Last evaluated 2024-11-26.

Conditions:
ASCL1-related disorder. Also called: ASCL1-related condition.

Submissions (6):

Blueprint Genetics
Classification: Likely benign. Last evaluated: 2024-11-26. Review status: criteria provided, single submitter. Criteria: ACMG Guidelines, 2015. Collection method: clinical testing. Allele origin: germline.

Eurofins Ntd Llc (ga)
Classification: Likely benign. Last evaluated: 2015-01-22. Review status: criteria provided, single submitter. Criteria: EGL Classification Definitions 2015. Collection method: clinical testing. Allele origin: germline. Observed: 1 variant allele, 1 heterozygote.

PreventionGenetics, part of Exact Sciences
Classification: Likely benign for ASCL1-related condition. Last evaluated: 2023-02-03. Review status: no assertion criteria provided. Collection method: clinical testing. Allele origin: germline. Not counted in ClinVar's aggregate classification.
Comment: This variant is classified as likely benign based on ACMG/AMP sequence variant interpretation guidelines (Richards et al. 2015 PMID: 25741868, with internal and published modifications).

Clinical Genetics DNA and cytogenetics Diagnostics Lab, Erasmus MC, Erasmus Medical Center
Classification: Likely benign. Review status: no assertion criteria provided. Collection method: clinical testing. Allele origin: germline. Affected: yes. Study: VKGL Data-share Consensus. Not counted in ClinVar's aggregate classification.

Department of Pathology and Laboratory Medicine, Sinai Health System
Classification: Likely benign. Review status: no assertion criteria provided. Collection method: clinical testing. Allele origin: unknown. Affected: yes. Study: The Canadian Open Genetics Repository (COGR). Not counted in ClinVar's aggregate classification.
Comment: The ASCL1 p.Gln58_Gln62del variant was not identified in the literature but was identified in dbSNP (ID: rs3832799), ClinVar (classified as likely benign by PreventionGenetics and EGL Genetic Diagnostics), and LOVD 3.0 (classified as likely benign by VKGL-NL_Rotterdam and VKGL-NL_Groningen). The variant was not identified in the following control databases: the 1000 Genomes Project, the NHLBI GO Exome Sequencing Project, or the Genome Aggregation Database (March 6, 2019, v2.1.1). This variant is an in-frame deletion resulting in the removal of a string of glutamine (gln) residues from codons 58-62; this deletion is found within a glutamine repeat region and is not expected to have a functional impact. The variant occurs outside of the splicing consensus sequence and in silico or computational prediction software programs (SpliceSiteFinder, MaxEntScan, NNSPLICE, GeneSplicer) do not predict a difference in splicing. In summary, based on the above information the clinical significance of this variant cannot be determined with certainty at this time although we would lean towards a more benign role for this variant. This variant is classified as likely benign.

Diagnostic Laboratory, Department of Genetics, University Medical Center Groningen
Classification: Likely benign. Review status: no assertion criteria provided. Collection method: clinical testing. Allele origin: germline. Affected: yes. Study: VKGL Data-share Consensus. Not counted in ClinVar's aggregate classification.

Literature cited by the submitters: PubMed 16021468 (cited by Eurofins Ntd Llc (ga)).

NM_004316.4(ASCL1):c.151CAG[7] (p.Gln58_Gln62del)

Genes: ASCL1 (achaete-scute family bHLH transcription factor 1; plus strand), PAH (phenylalanine hydroxylase; minus strand). Cytogenetic location: 12q23.2.
Variant type: Microsatellite.
Coding change: c.151CAG[7] on transcript NM_004316.4 (MANE Select); seven copies in a row of the 3-base unit CAG starting at c.151; the reference has 12 copies in a row; five copies, 15 bases deleted.
Protein change: p.Gln58_Gln62del.
Molecular consequence: inframe deletion. On other transcripts: 5 prime UTR variant (1).
Genome position (GRCh38, 1-based): chr12:102,958,416-102,958,430, CAGCAGCAGCAGCAG deleted; deleting any 15 consecutive bases within chr12:102,958,394-102,958,430 gives the same sequence; the position shown is the placement nearest the transcript's 3' end. VCF-style (leftmost placement, unchanged base first): chr12-102958393-CGCAGCAGCAGCAGCA-C. GRCh37 (hg19) VCF-style: chr12-103352171-CGCAGCAGCAGCAGCA-C.
Other names: c.-330TGC[7] (NM_001354304.2).
Identifiers: ClinVar variation 193277 (VCV000193277.14), dbSNP rs3832799, ClinGen allele CA200458.
Genomic context (GRCh38, chr12:102,958,393, plus strand): 5'-GTTTCTTTGCCACGGCCGCAGCCGCGGCGGCCGCAGCCGCCGCAGCGGCAGCGCAGAGCG[CGCAGCAGCAGCAGCA>C]GCAGCAGCAGCAGCAGCAGCAGGCGCCGCAGCTGAGACCGGCGGCCGACGGCCAGCCCTC-3'